The following is an entry in ClinVar:

ClinVar aggregate classification (germline): Uncertain significance (1 of 4 stars; one submission).

Submission:

Labcorp Genetics (formerly Invitae), Labcorp
Classification: Uncertain significance. Last evaluated: 2022-08-16. Review status: criteria provided, single submitter. Criteria: Invitae Variant Classification Sherloc (09022015). Collection method: clinical testing. Allele origin: germline.
Comment: Algorithms developed to predict the effect of missense changes on protein structure and function are either unavailable or do not agree on the potential impact of this missense change (SIFT: "Deleterious"; PolyPhen-2: "Possibly Damaging"; Align-GVGD: "Class C0"). In summary, the available evidence is currently insufficient to determine the role of this variant in disease. Therefore, it has been classified as a Variant of Uncertain Significance. This variant has not been reported in the literature in individuals affected with SLC45A2-related conditions. This variant is not present in population databases (gnomAD no frequency). This sequence change replaces alanine, which is neutral and non-polar, with serine, which is neutral and polar, at codon 141 of the SLC45A2 protein (p.Ala141Ser).

NM_016180.5(SLC45A2):c.421G>T (p.Ala141Ser)

Gene: SLC45A2 (solute carrier family 45 member 2; minus strand). Cytogenetic location: 5p13.2.
Variant type: single nucleotide variant.
Coding change: c.421G>T on transcript NM_016180.5 (MANE Select); coding-DNA position 421, G replaced by T.
Protein change: p.Ala141Ser; replaces alanine 141 with serine.
Molecular consequence: missense variant.
Genome position (GRCh38, 1-based): chr5:33,982,377, C>A on the plus strand (G>T on the coding strand, the complement: SLC45A2 is on the minus strand). VCF-style: chr5-33982377-C-A. GRCh37 (hg19) VCF-style: chr5-33982482-C-A.
Other names: c.421G>T, p.Ala141Ser (NM_001012509.4, NM_001297417.4); short protein forms A141S.
Identifiers: ClinVar variation 2161298 (VCV002161298.4), dbSNP rs2478912886, ClinGen allele CA359396799.